The following is an entry in ClinVar:

NM_005559.4(LAMA1):c.4591A>C (p.Arg1531=)

Gene: LAMA1 (laminin subunit alpha 1; minus strand). Cytogenetic location: 18p11.31.
Variant type: single nucleotide variant.
Coding change: c.4591A>C on transcript NM_005559.4 (MANE Select); coding-DNA position 4591, A replaced by C.
Protein change: p.Arg1531=; no amino-acid change (arginine 1531 retained).
Molecular consequence: synonymous variant.
Genome position (GRCh38, 1-based): chr18:6,999,517, T>G on the plus strand (A>C on the coding strand, the complement: LAMA1 is on the minus strand). VCF-style: chr18-6999517-T-G. GRCh37 (hg19) VCF-style: chr18-6999516-T-G.
Identifiers: ClinVar variation 745557 (VCV000745557.34), dbSNP rs142217818, ClinGen allele CA8881873.

ClinVar aggregate classification (germline): Likely benign. Review status: criteria provided, multiple submitters, no conflicts (2 of 4 stars). 4 submissions from 4 submitters: Likely benign (3). 1 of the submissions does not count toward it. Last evaluated 2025-02-03.

Conditions:
LAMA1-related disorder. Also called: LAMA1-related condition; LAMA1-related disorders.

Allele frequency attached by ClinVar (database versions not stated): ESP Exome Variant Server 0.00038; gnomAD 0.00045; TOPMed 0.00061; 1000 Genomes Project 30x 0.00062; 1000 Genomes Project 0.00080.
gnomAD v4.1: 174 of 1,614,094 alleles (0.011%); highest among the groups gnomAD compares: African/African-American, 0.21%; no homozygotes.

Submissions (4):

Labcorp Genetics (formerly Invitae), Labcorp
Classification: Likely benign. Last evaluated: 2025-02-03. Review status: criteria provided, single submitter. Criteria: Invitae Variant Classification Sherloc (09022015). Collection method: clinical testing. Allele origin: germline.

Blueprint Genetics
Classification: Likely benign. Last evaluated: 2024-10-02. Review status: criteria provided, single submitter. Criteria: ACMG Guidelines, 2015. Collection method: clinical testing. Allele origin: germline.

CeGaT Center for Human Genetics Tuebingen
Classification: Likely benign. Last evaluated: 2023-02-01. Review status: criteria provided, single submitter. Criteria: CeGaT Center For Human Genetics Tuebingen Variant Classification Criteria Version 2. Collection method: clinical testing. Allele origin: germline. Affected: yes. Observed: 1 variant allele.
Comment: LAMA1: BP4, BP7

PreventionGenetics, part of Exact Sciences
Classification: Likely benign for LAMA1-related condition. Last evaluated: 2019-08-14. Review status: no assertion criteria provided. Collection method: clinical testing. Allele origin: germline. Not counted in ClinVar's aggregate classification.
Comment: This variant is classified as likely benign based on ACMG/AMP sequence variant interpretation guidelines (Richards et al. 2015 PMID: 25741868, with internal and published modifications).